The following is an entry in ClinVar:

NM_000540.3(RYR1):c.3088A>G (p.Thr1030Ala)

Gene: RYR1 (ryanodine receptor 1; plus strand). Cytogenetic location: 19q13.2.
Variant type: single nucleotide variant.
Coding change: c.3088A>G on transcript NM_000540.3 (MANE Select); coding-DNA position 3088, A replaced by G.
Protein change: p.Thr1030Ala; replaces threonine 1030 with alanine.
Molecular consequence: missense variant.
Genome position (GRCh38, 1-based): chr19:38,466,308, A>G. VCF-style: chr19-38466308-A-G. GRCh37 (hg19) VCF-style: chr19-38956948-A-G.
Other names: c.3088A>G, p.Thr1030Ala (NM_001042723.2); short protein forms T1030A.
Identifiers: ClinVar variation 3072874 (VCV003072874.1), dbSNP rs2514094320, ClinGen allele CA405635450.
Genomic context (GRCh38, chr19:38,466,308, plus strand): 5'-CAGGACATCCCAGCGCGCCGAAACCCTCGGCTGGTGCCCTACCGCCTGCTGGATGAAGCC[A>G]CCAAGCGCAGCAACCGGGACAGCCTCTGCCAGGCCGTGCGCACCCTCCTGGGCTACGGCT-3'
Protein context (NP_000531.2, residues 1020-1040): LVPYRLLDEA[Thr1030Ala]KRSNRDSLCQ

ClinVar aggregate classification (germline): Uncertain significance (1 of 4 stars; one submission).

Conditions:
Malignant hyperthermia, susceptibility to, 1 (MHS1). Also called: Anesthesia related hyperthermia; Malignant hyperpyrexia; Fulminating hyperpyrexia; Pharmacogenic myopathy; RYR1-Related Malignant Hyperthermia Susceptibility; Malignant hyperthermia suceptibility 1. Identifiers: Orphanet 423, MedGen C2930980, MONDO:0007783, OMIM 145600.

Submission:

All of Us Research Program, National Institutes of Health
Classification: Uncertain significance for Malignant hyperthermia, susceptibility to, 1. Last evaluated: 2023-08-15. Review status: criteria provided, single submitter. Criteria: ACMG Guidelines, 2015. Collection method: clinical testing. Allele origin: germline. Inheritance: Autosomal dominant inheritance. Observed: 1 variant allele, 1 heterozygote.
Comment: This missense variant replaces threonine with alanine at codon 1030 of the RYR1 protein. Computational prediction suggests that this variant may have deleterious impact on protein structure and function (internally defined REVEL score threshold >= 0.7, PMID: 27666373). To our knowledge, functional studies have not been reported for this variant. This variant has not been reported in individuals affected with RYR1-related disorders in the literature. This variant has not been identified in the general population by the Genome Aggregation Database (gnomAD). The available evidence is insufficient to determine the role of this variant in disease conclusively. Therefore, this variant is classified as a Variant of Uncertain Significance.

This study involves interpretation of variants in research participants for the purpose of population health screening. Participant phenotype was not available at the time of variant classification. Additional details can be found in publication PMID: 35346344, PMCID: PMC8962531